The following is an entry in ClinVar:

ClinVar aggregate classification (germline): Uncertain significance (1 of 4 stars; one submission).

Conditions:
Inborn genetic diseases. Identifiers: MedGen C0950123, MeSH D030342.

Submission:

Ambry Genetics
Classification: Uncertain significance for Inborn genetic diseases. Last evaluated: 2025-05-18. Review status: criteria provided, single submitter. Criteria: Ambry Variant Classification Scheme 2023. Collection method: clinical testing. Allele origin: germline.
Comment: The p.V1845L variant (also known as c.5533G>C), located in coding exon 21 of the FANCM gene, results from a G to C substitution at nucleotide position 5533. The valine at codon 1845 is replaced by leucine, an amino acid with highly similar properties. This amino acid position is conserved. In addition, the in silico prediction for this alteration is inconclusive. Based on the available evidence, the clinical significance of this variant remains unclear.

NM_020937.4(FANCM):c.5533G>C (p.Val1845Leu)

Gene: FANCM (FA complementation group M; plus strand). Cytogenetic location: 14q21.2.
Variant type: single nucleotide variant.
Coding change: c.5533G>C on transcript NM_020937.4 (MANE Select); coding-DNA position 5533, G replaced by C.
Protein change: p.Val1845Leu; replaces valine 1845 with leucine.
Molecular consequence: missense variant.
Genome position (GRCh38, 1-based): chr14:45,196,364, G>C. VCF-style: chr14-45196364-G-C. GRCh37 (hg19) VCF-style: chr14-45665567-G-C.
Other names: c.5455G>C, p.Val1819Leu (NM_001308133.2); short protein forms V1819L, V1845L.
Identifiers: ClinVar variation 4022794 (VCV004022794.1).